The following is an entry in ClinVar:

ClinVar aggregate classification (germline): Pathogenic. Review status: reviewed by expert panel (3 of 4 stars). 9 submissions from 9 submitters: Pathogenic (1). 8 of the submissions do not count toward it. Last evaluated 2016-09-08.

Conditions:
Fanconi anemia, complementation group S (FANCS). Identifiers: MedGen C4554406, MONDO:0054748, OMIM 617883.
Hereditary cancer-predisposing syndrome. Also called: Hereditary Cancer Syndrome; Hereditary neoplastic syndrome; Neoplastic Syndromes, Hereditary; Tumor predisposition. Identifiers: Orphanet 140162, MedGen C0027672, MeSH D009386, MONDO:0015356.
BRCA1-related cancer predisposition. Identifiers: MedGen CN377757, MONDO:0700268.
Hereditary breast ovarian cancer syndrome. Also called: BRCA1- and BRCA2-Associated Hereditary Breast and Ovarian Cancer; Hereditary breast and ovarian cancer syndrome; Hereditary breast and ovarian cancer syndrome (HBOC); Breast and ovarian cancer; Hereditary breast and/or ovarian cancer syndrome; Hereditary breast and ovarian cancer. Identifiers: Orphanet 145, MedGen C0677776, MeSH D061325, MONDO:0003582. Disease mechanism: loss of function.
Breast-ovarian cancer, familial, susceptibility to, 1 (BROVCA1). Also called: BRCA1 Hereditary Breast and Ovarian Cancer; OVARIAN CANCER, SUSCEPTIBILITY TO. Identifiers: Orphanet 145, MedGen C2676676, MONDO:0011450, OMIM 604370. Disease mechanism: loss of function.

Submissions (9):

Evidence-based Network for the Interpretation of Germline Mutant Alleles (ENIGMA)
Classification: Pathogenic for Breast-ovarian cancer, familial, susceptibility to, 1. Last evaluated: 2016-09-08. Review status: reviewed by expert panel. Criteria: ENIGMA BRCA1/2 Classification Criteria (2015). Collection method: curation. Allele origin: germline.
Comment: Variant allele predicted to encode a truncated non-functional protein.

Labcorp Genetics (formerly Invitae), Labcorp
Classification: Pathogenic for Hereditary breast ovarian cancer syndrome. Last evaluated: 2025-10-21. Review status: criteria provided, single submitter. Criteria: Invitae Variant Classification Sherloc (09022015). Collection method: clinical testing. Allele origin: germline. Not counted in ClinVar's aggregate classification.
Comment: This sequence change creates a premature translational stop signal (p.Asn1236Phefs*5) in the BRCA1 gene. It is expected to result in an absent or disrupted protein product. Loss-of-function variants in BRCA1 are known to be pathogenic (PMID: 20104584). This variant is not present in population databases (gnomAD no frequency). This premature translational stop signal has been observed in individual(s) with early onset breast cancer (PMID: 19491284). This variant is also known as 3825del8. ClinVar contains an entry for this variant (Variation ID: 54969). For these reasons, this variant has been classified as Pathogenic.

GeneDx
Classification: Pathogenic. Last evaluated: 2024-11-12. Review status: criteria provided, single submitter. Criteria: GeneDx Variant Classification Process June 2021. Collection method: clinical testing. Allele origin: germline. Affected: yes. Not counted in ClinVar's aggregate classification.
Comment: Frameshift variant predicted to result in protein truncation or nonsense mediated decay in a gene for which loss-of-function is a known mechanism of disease; Not observed in large population cohorts (gnomAD); Truncating variants in this gene are considered pathogenic by a well-established clinical consortium and/or database; Also known as 3825_3832del; 3825del8; This variant is associated with the following publications: (PMID: 38538877, 19491284, 31853058)

Ambry Genetics
Classification: Pathogenic for Hereditary cancer-predisposing syndrome. Last evaluated: 2022-04-22. Review status: criteria provided, single submitter. Criteria: Ambry Variant Classification Scheme 2023. Collection method: clinical testing. Allele origin: germline. Not counted in ClinVar's aggregate classification.
Comment: The c.3706_3713delAATATACC pathogenic mutation, located in coding exon 9 of the BRCA1 gene, results from a deletion of 8 nucleotides at nucleotide positions 3706 to 3713, causing a translational frameshift with a predicted alternate stop codon (p.N1236Ffs*5). This variant is considered to be rare based on population cohorts in the Genome Aggregation Database (gnomAD). In addition to the clinical data presented in the literature, this alteration is expected to result in loss of function by premature protein truncation or nonsense-mediated mRNA decay. As such, this alteration is interpreted as a disease-causing mutation.

Department of Pathology and Laboratory Medicine, Sinai Health System
Classification: Pathogenic for Fanconi anemia, complementation group S. Last evaluated: 2020-10-01. Review status: criteria provided, single submitter. Criteria: ACMG Guidelines, 2015. Collection method: clinical testing. Allele origin: germline. Affected: no. Not counted in ClinVar's aggregate classification.

Quest Diagnostics Nichols Institute San Juan Capistrano
Classification: Pathogenic. Last evaluated: 2018-01-15. Review status: criteria provided, single submitter. Criteria: Quest Diagnostics criteria. Collection method: clinical testing. Allele origin: germline. Not counted in ClinVar's aggregate classification.

University Health Network, Familial Cancer Clinic, Princess Margaret Cancer Centre
Classification: Pathogenic for BRCA1-related cancer predisposition. Review status: criteria provided, single submitter. Criteria: ACMG Guidelines, 2015. Collection method: clinical testing. Allele origin: germline. Inheritance: Autosomal dominant inheritance. Affected: yes. Observed: 1 variant allele. Not counted in ClinVar's aggregate classification.

Research Molecular Genetics Laboratory, Women's College Hospital, University of Toronto
Classification: Pathogenic for Hereditary breast ovarian cancer syndrome. Last evaluated: 2014-01-31. Review status: no assertion criteria provided. Collection method: research. Allele origin: germline. Affected: yes. Study: The Canadian Open Genetics Repository (COGR). Not counted in ClinVar's aggregate classification.

Breast Cancer Information Core (BIC) (BRCA1)
Classification: Pathogenic for Breast-ovarian cancer, familial 1. Last evaluated: 2002-05-29. Review status: no assertion criteria provided. Collection method: clinical testing. Allele origin: germline. Affected: yes. Observed: 2 variant alleles. Not counted in ClinVar's aggregate classification.

Literature cited by the submitters: PubMed 20104584 (cited by Labcorp Genetics (formerly Invitae), Labcorp); PubMed 19491284 (cited by 3 submitters).

NM_007294.4(BRCA1):c.3706_3713del (p.Asn1236fs)

Genes: BRCA1 (BRCA1 DNA repair associated; minus strand), LOC126862571 (BRD4-independent group 4 enhancer GRCh37_chr17:41243136-41244335; plus strand). Cytogenetic location: 17q21.31.
Variant type: Deletion.
Coding change: c.3706_3713del on transcript NM_007294.4 (MANE Select); coding-DNA positions 3706 to 3713, 8 bases deleted (AATATACC; older notation c.3706_3713delAATATACC).
Protein change: p.Asn1236fs; shifts the reading frame from asparagine 1236.
Molecular consequence: frameshift variant. On other transcripts: intron variant (135).
Genome position (GRCh38, 1-based): chr17:43,091,818-43,091,825, GGTATATT deleted on the plus strand (AATATACC on the coding strand, the reverse complement: BRCA1 is on the minus strand); deleting any 8 consecutive bases within chr17:43,091,818-43,091,826 gives the same sequence; the c. name uses the placement nearest the transcript's 3' end. VCF-style (leftmost placement, unchanged base first): chr17-43091817-AGGTATATT-A. GRCh37 (hg19) VCF-style: chr17-41243834-AGGTATATT-A.
Other names: 3825del8; c.665-793_665-786del (NM_001408442.1, NM_001408426.1, NM_001408436.1 and 12 more transcripts); c.788-793_788-786del (NM_001407982.1, NM_001407970.1, NM_001407980.1 and 17 more transcripts); c.3493_3500del, p.Asn1165fs (NM_001407571.1, NM_001407853.1, NM_001407894.1 and 9 more transcripts); c.3706_3713del, p.Asn1236fs (NM_001407581.1, NM_001407582.1, NM_001407583.1 and 30 more transcripts); c.3703_3710del, p.Asn1235fs (NM_001407587.1, NM_001407590.1, NM_001407591.1 and 22 more transcripts); c.3697_3704del, p.Asn1233fs (NM_001407646.1, NM_001407647.1); c.3583_3590del, p.Asn1195fs (NM_001407648.1, NM_001407664.1, NM_001407665.1 and 19 more transcripts); and 43 more; short protein forms N1236fs, N1189fs, N1108fs, N1125fs, N1148fs, N1165fs, N1194fs, N1233fs.
Identifiers: ClinVar variation 54969 (VCV000054969.23), dbSNP rs80357552, ClinGen allele CA002375.